The following is an entry in ClinVar:

ClinVar aggregate classification (germline): Uncertain significance. Review status: criteria provided, multiple submitters, no conflicts (2 of 4 stars). 10 submissions from 10 submitters: Uncertain significance (9). 1 of the submissions does not count toward it. Last evaluated 2025-08-09.

Conditions:
Inborn genetic diseases. Identifiers: MedGen C0950123, MeSH D030342.
Autosomal recessive limb-girdle muscular dystrophy type 2E (LGMDR4). Also called: MUSCULAR DYSTROPHY, LIMB-GIRDLE, AUTOSOMAL RECESSIVE 4. Identifiers: Orphanet 119, MedGen C1858593, MONDO:0011423, OMIM 604286. Disease mechanism: Affects gamma-sarcoglycan and also disrupts the integrity of the entire sarcoglycan complex..

Allele frequency attached by ClinVar (database versions not stated): TOPMed 0.00037; 1000 Genomes Project 30x 0.00125; gnomAD 0.00031 and 0.00029; ESP Exome Variant Server 0.00015; gnomAD exomes 0.00017; ExAC 0.00015; 1000 Genomes Project 0.00140.
gnomAD v4.1: 548 of 1,613,552 alleles (0.034%); highest among the groups gnomAD compares: Admixed American, 0.058%; no homozygotes.

Submissions (10):

Ambry Genetics
Classification: Uncertain significance for Inborn genetic diseases. Last evaluated: 2025-08-09. Review status: criteria provided, single submitter. Criteria: Ambry Variant Classification Scheme 2023. Collection method: clinical testing. Allele origin: germline.

Myriad Genetics, Inc.
Classification: Uncertain significance for Autosomal recessive limb-girdle muscular dystrophy type 2E. Last evaluated: 2025-07-25. Review status: criteria provided, single submitter. Criteria: Myriad Autosomal Dominant, Autosomal Recessive and X-Linked Classification Criteria (2023). Collection method: clinical testing. Allele origin: unknown.
Comment: NM_000232.4(SGCB):c.151C>T(R51C) is a missense variant classified as a variant of uncertain significance in the context of beta-sarcoglycanopathy. R51C has been observed in a case with relevant disease (PMID: 39678382). Relevant functional assessments of this variant are not available in the literature. R51C has been observed in referenced population frequency databases. In summary, there is insufficient evidence to classify NM_000232.4(SGCB):c.151C>T(R51C) as pathogenic or benign. Please note: this variant was assessed in the context of healthy population screening.

Blueprint Genetics
Classification: Uncertain significance. Last evaluated: 2024-11-01. Review status: criteria provided, single submitter. Criteria: ACMG Guidelines, 2015. Collection method: clinical testing. Allele origin: germline.

Revvity Omics, Revvity
Classification: Uncertain significance for Autosomal recessive limb-girdle muscular dystrophy type 2E. Last evaluated: 2024-09-08. Review status: criteria provided, single submitter. Criteria: ACMG Guidelines, 2015. Collection method: clinical testing. Allele origin: germline.

Labcorp Genetics (formerly Invitae), Labcorp
Classification: Uncertain significance for Autosomal recessive limb-girdle muscular dystrophy type 2E. Last evaluated: 2022-08-23. Review status: criteria provided, single submitter. Criteria: Invitae Variant Classification Sherloc (09022015). Collection method: clinical testing. Allele origin: germline.
Comment: This sequence change replaces arginine, which is basic and polar, with cysteine, which is neutral and slightly polar, at codon 51 of the SGCB protein (p.Arg51Cys). This variant is present in population databases (rs144743676, gnomAD 0.1%). This variant has not been reported in the literature in individuals affected with SGCB-related conditions. ClinVar contains an entry for this variant (Variation ID: 92659). Algorithms developed to predict the effect of missense changes on protein structure and function (SIFT, PolyPhen-2, Align-GVGD) all suggest that this variant is likely to be disruptive. In summary, the available evidence is currently insufficient to determine the role of this variant in disease. Therefore, it has been classified as a Variant of Uncertain Significance.

Fulgent Genetics
Classification: Uncertain significance for Autosomal recessive limb-girdle muscular dystrophy type 2E. Last evaluated: 2021-10-11. Review status: criteria provided, single submitter. Criteria: ACMG Guidelines, 2015. Collection method: clinical testing. Allele origin: unknown.

CeGaT Center for Human Genetics Tuebingen
Classification: Uncertain significance. Last evaluated: 2018-09-01. Review status: criteria provided, single submitter. Criteria: CeGaT Center For Human Genetics Tuebingen Variant Classification Criteria Version 2. Collection method: clinical testing. Allele origin: germline. Affected: yes. Observed: 1 variant allele.

Eurofins Ntd Llc (ga)
Classification: Uncertain significance. Last evaluated: 2017-01-11. Review status: criteria provided, single submitter. Criteria: EGL Classification Definitions 2015. Collection method: clinical testing. Allele origin: germline. Observed: 8 variant alleles, 8 heterozygotes.

Breakthrough Genomics
Classification: Uncertain significance. Review status: criteria provided, single submitter. Criteria: ACMG Guidelines, 2015. Collection method: not provided. Allele origin: germline. Inheritance: Autosomal recessive inheritance. Affected: yes.

Natera, Inc.
Classification: Uncertain significance for Limb-girdle muscular dystrophy type 2E. Last evaluated: 2019-12-31. Review status: no assertion criteria provided. Collection method: clinical testing. Allele origin: germline. Not counted in ClinVar's aggregate classification.

Literature cited by the submitters: PubMed 39678382 (cited by Myriad Genetics, Inc.).

NM_000232.5(SGCB):c.151C>T (p.Arg51Cys)

Gene: SGCB (sarcoglycan beta; minus strand). Cytogenetic location: 4q12.
Variant type: single nucleotide variant.
Coding change: c.151C>T on transcript NM_000232.5 (MANE Select); coding-DNA position 151, C replaced by T.
Protein change: p.Arg51Cys; replaces arginine 51 with cysteine.
Molecular consequence: missense variant.
Genome position (GRCh38, 1-based): chr4:52,033,523, G>A on the plus strand (C>T on the coding strand, the complement: SGCB is on the minus strand). VCF-style: chr4-52033523-G-A. GRCh37 (hg19) VCF-style: chr4-52899689-G-A.
Identifiers: ClinVar variation 92659 (VCV000092659.56), dbSNP rs144743676, ClinGen allele CA220518.